The following is an entry in ClinVar:

NM_177402.5(SYT2):c.348T>A (p.Asp116Glu)

Gene: SYT2 (synaptotagmin 2; minus strand). Cytogenetic location: 1q32.1.
Variant type: single nucleotide variant.
Coding change: c.348T>A on transcript NM_177402.5 (MANE Select); coding-DNA position 348, T replaced by A.
Protein change: p.Asp116Glu; replaces aspartic acid 116 with glutamic acid.
Molecular consequence: missense variant.
Genome position (GRCh38, 1-based): chr1:202,603,116, A>T on the plus strand (T>A on the coding strand, the complement: SYT2 is on the minus strand). VCF-style: chr1-202603116-A-T. GRCh37 (hg19) VCF-style: chr1-202572244-A-T.
Other names: c.348T>A, p.Asp116Glu (NM_001136504.1); short protein forms D116E.
Identifiers: ClinVar variation 4695690 (VCV004695690.1).

ClinVar aggregate classification (germline): Uncertain significance (1 of 4 stars; one submission).

gnomAD v4.1: 1 of 1,613,634 alleles (0.000062%); no homozygotes.

Submission:

Labcorp Genetics (formerly Invitae), Labcorp
Classification: Uncertain significance. Last evaluated: 2025-02-21. Review status: criteria provided, single submitter. Criteria: Invitae Variant Classification Sherloc (09022015). Collection method: clinical testing. Allele origin: germline.
Comment: This sequence change replaces aspartic acid, which is acidic and polar, with glutamic acid, which is acidic and polar, at codon 116 of the SYT2 protein (p.Asp116Glu). This variant is not present in population databases (gnomAD no frequency). This variant has not been reported in the literature in individuals affected with SYT2-related conditions. An algorithm developed to predict the effect of missense changes on protein structure and function (PolyPhen-2) suggests that this variant is likely to be tolerated. In summary, the available evidence is currently insufficient to determine the role of this variant in disease. Therefore, it has been classified as a Variant of Uncertain Significance.